The following is an entry in ClinVar:

ClinVar aggregate classification (germline): Uncertain significance (1 of 4 stars; one submission).

Conditions:
Rubinstein-Taybi syndrome due to EP300 haploinsufficiency. Also called: RUBINSTEIN-TAYBI SYNDROME 2; EP300-Related Rubinstein-Taybi Syndrome. Identifiers: Orphanet 353284, Orphanet 783, MedGen C3150941, MONDO:0013364, OMIM 613684.

gnomAD v4.1: 2 of 1,613,966 alleles (0.00012%); highest among the groups gnomAD compares: Non-Finnish European, 0.00017%; no homozygotes.

Submission:

Labcorp Genetics (formerly Invitae), Labcorp
Classification: Uncertain significance for Rubinstein-Taybi syndrome due to EP300 haploinsufficiency. Last evaluated: 2025-05-01. Review status: criteria provided, single submitter. Criteria: Invitae Variant Classification Sherloc (09022015). Collection method: clinical testing. Allele origin: germline.
Comment: This sequence change replaces alanine, which is neutral and non-polar, with glycine, which is neutral and non-polar, at codon 2165 of the EP300 protein (p.Ala2165Gly). This variant is not present in population databases (gnomAD no frequency). This variant has not been reported in the literature in individuals affected with EP300-related conditions. Invitae Evidence Modeling of protein sequence and biophysical properties (such as structural, functional, and spatial information, amino acid conservation, physicochemical variation, residue mobility, and thermodynamic stability) indicates that this missense variant is not expected to disrupt EP300 protein function with a negative predictive value of 80%. In summary, the available evidence is currently insufficient to determine the role of this variant in disease. Therefore, it has been classified as a Variant of Uncertain Significance.

NM_001429.4(EP300):c.6494C>G (p.Ala2165Gly)

Gene: EP300 (EP300 lysine acetyltransferase; plus strand). Cytogenetic location: 22q13.2.
Variant type: single nucleotide variant.
Coding change: c.6494C>G on transcript NM_001429.4 (MANE Select); coding-DNA position 6494, C replaced by G.
Protein change: p.Ala2165Gly; replaces alanine 2165 with glycine.
Molecular consequence: missense variant.
Genome position (GRCh38, 1-based): chr22:41,178,205, C>G. VCF-style: chr22-41178205-C-G. GRCh37 (hg19) VCF-style: chr22-41574209-C-G.
Other names: c.6416C>G, p.Ala2139Gly (NM_001362843.2); short protein forms A2139G, A2165G.
Identifiers: ClinVar variation 4811744 (VCV004811744.1).